The following is an entry in ClinVar:

NM_000051.4(ATM):c.1608-6T>G

Gene: ATM (ATM serine/threonine kinase; plus strand). Cytogenetic location: 11q22.3.
Variant type: single nucleotide variant.
Coding change: c.1608-6T>G on transcript NM_000051.4 (MANE Select); 6 bases into the intron before coding-DNA position 1608, T replaced by G.
Molecular consequence: intron variant.
Genome position (GRCh38, 1-based): chr11:108,251,831, T>G. VCF-style: chr11-108251831-T-G. GRCh37 (hg19) VCF-style: chr11-108122558-T-G.
Other names: c.1608-6T>G (NM_001351834.2).
Identifiers: ClinVar variation 919724 (VCV000919724.3), dbSNP rs2080162256, ClinGen allele CA1139662158.

ClinVar aggregate classification (germline): Uncertain significance (1 of 4 stars; one submission).

Conditions:
Hereditary cancer-predisposing syndrome. Also called: Neoplastic Syndromes, Hereditary; Tumor predisposition; Hereditary Cancer Syndrome; Hereditary neoplastic syndrome. Identifiers: Orphanet 140162, MedGen C0027672, MeSH D009386, MONDO:0015356.

Submission:

Color Diagnostics, LLC DBA Color Health
Classification: Uncertain significance for Hereditary cancer-predisposing syndrome. Last evaluated: 2019-12-09. Review status: criteria provided, single submitter. Criteria: ACMG Guidelines, 2015. Collection method: clinical testing. Allele origin: germline.
Comment: This variant causes a T>G nucleotide substitution at the -6 position of intron 10 of the ATM gene. To our knowledge, functional studies have not been performed for this variant. This variant has not been reported in individuals affected with hereditary cancer in the literature. This variant has not been identified in the general population by the Genome Aggregation Database (gnomAD). The available evidence is insufficient to determine the role of this variant in disease conclusively. Therefore, this variant is classified as a Variant of Uncertain Significance.